The following is an entry in ClinVar:

ClinVar aggregate classification (germline): Uncertain significance (1 of 4 stars; one submission).

Conditions:
Cardiovascular phenotype. Identifiers: MedGen CN230736.

Submission:

Ambry Genetics
Classification: Uncertain significance for Cardiovascular phenotype. Last evaluated: 2026-09-11. Review status: criteria provided, single submitter. Criteria: Ambry Variant Classification Scheme 2023. Collection method: clinical testing. Allele origin: germline.
Comment: The p.V3871L variant (also known as c.11611G>T), located in coding exon 26 of the APOB gene, results from a G to T substitution at nucleotide position 11611. The valine at codon 3871 is replaced by leucine, an amino acid with highly similar properties. This amino acid position is conserved. In addition, this alteration is predicted to be tolerated by in silico analysis. Based on the available evidence, the clinical significance of this variant remains unclear.

NM_000384.3(APOB):c.11611G>T (p.Val3871Leu)

Gene: APOB (apolipoprotein B; minus strand). Cytogenetic location: 2p24.1.
Variant type: single nucleotide variant.
Coding change: c.11611G>T on transcript NM_000384.3 (MANE Select); coding-DNA position 11611, G replaced by T.
Protein change: p.Val3871Leu; replaces valine 3871 with leucine.
Molecular consequence: missense variant.
Genome position (GRCh38, 1-based): chr2:21,005,257, C>A on the plus strand (G>T on the coding strand, the complement: APOB is on the minus strand). VCF-style: chr2-21005257-C-A. GRCh37 (hg19) VCF-style: chr2-21228129-C-A.
Other names: short protein forms V3871L.
Identifiers: ClinVar variation 3933736 (VCV003933736.2).